The following is an entry in ClinVar:

ClinVar aggregate classification (germline): Uncertain significance. Review status: criteria provided, multiple submitters, no conflicts (2 of 4 stars). 3 submissions from 3 submitters: Uncertain significance (3). Last evaluated 2025-08-06.

Conditions:
Cardiovascular phenotype. Identifiers: MedGen CN230736.
Cardiomyopathy (CMYO). Also called: Cardiomyopathies. Identifiers: Orphanet 167848, MedGen C0878544, MONDO:0004994, HP:0001638. Inheritance: Various modes of inheritance.
Hypertrophic cardiomyopathy. Also called: HYPERTROPHIC MYOCARDIOPATHY. Identifiers: Orphanet 217569, MedGen C0007194, MeSH D002312, MONDO:0005045, HP:0001639.

Submissions (3):

Labcorp Genetics (formerly Invitae), Labcorp
Classification: Uncertain significance for Hypertrophic cardiomyopathy. Last evaluated: 2025-08-06. Review status: criteria provided, single submitter. Criteria: Invitae Variant Classification Sherloc (09022015). Collection method: clinical testing. Allele origin: germline.
Comment: This sequence change replaces serine, which is neutral and polar, with phenylalanine, which is neutral and non-polar, at codon 42 of the TNNI3 protein (p.Ser42Phe). This variant is not present in population databases (gnomAD no frequency). This variant has not been reported in the literature in individuals affected with TNNI3-related conditions. ClinVar contains an entry for this variant (Variation ID: 935022). An algorithm developed to predict the effect of missense changes on protein structure and function (PolyPhen-2) suggests that this variant is likely to be tolerated. In summary, the available evidence is currently insufficient to determine the role of this variant in disease. Therefore, it has been classified as a Variant of Uncertain Significance.

Ambry Genetics
Classification: Uncertain significance for Cardiovascular phenotype. Last evaluated: 2024-03-29. Review status: criteria provided, single submitter. Criteria: Ambry Variant Classification Scheme 2023. Collection method: clinical testing. Allele origin: germline.
Comment: The p.S42F variant (also known as c.125C>T), located in coding exon 4 of the TNNI3 gene, results from a C to T substitution at nucleotide position 125. The serine at codon 42 is replaced by phenylalanine, an amino acid with highly dissimilar properties. This amino acid position is conserved. In addition, this alteration is predicted to be deleterious by in silico analysis. Based on the available evidence, the clinical significance of this alteration remains unclear.

CHEO Genetics Diagnostic Laboratory, Children's Hospital of Eastern Ontario
Classification: Uncertain significance for Cardiomyopathy. Last evaluated: 2020-11-25. Review status: criteria provided, single submitter. Criteria: ACMG Guidelines, 2015. Collection method: clinical testing. Allele origin: germline.

NM_000363.5(TNNI3):c.125C>T (p.Ser42Phe)

Gene: TNNI3 (troponin I3, cardiac type; minus strand). Cytogenetic location: 19q13.42.
Variant type: single nucleotide variant.
Coding change: c.125C>T on transcript NM_000363.5 (MANE Select); coding-DNA position 125, C replaced by T.
Protein change: p.Ser42Phe; replaces serine 42 with phenylalanine.
Molecular consequence: missense variant.
Genome position (GRCh38, 1-based): chr19:55,156,628, G>A on the plus strand (C>T on the coding strand, the complement: TNNI3 is on the minus strand). VCF-style: chr19-55156628-G-A. GRCh37 (hg19) VCF-style: chr19-55667996-G-A.
Other names: short protein forms S42F.
Identifiers: ClinVar variation 935022 (VCV000935022.12), dbSNP rs2085732640, ClinGen allele CA407442426.